The following is an entry in ClinVar:

NM_182914.3(SYNE2):c.7481T>C (p.Ile2494Thr)

Gene: SYNE2 (spectrin repeat containing nuclear envelope protein 2; plus strand). Cytogenetic location: 14q23.2.
Variant type: single nucleotide variant.
Coding change: c.7481T>C on transcript NM_182914.3 (MANE Select); coding-DNA position 7481, T replaced by C.
Protein change: p.Ile2494Thr; replaces isoleucine 2494 with threonine.
Molecular consequence: missense variant.
Genome position (GRCh38, 1-based): chr14:64,049,714, T>C. VCF-style: chr14-64049714-T-C. GRCh37 (hg19) VCF-style: chr14-64516432-T-C.
Other names: c.7481T>C, p.Ile2494Thr (NM_015180.6); c.7481T>C (NM_182914.2); short protein forms I2494T.
Identifiers: ClinVar variation 1441564 (VCV001441564.8), dbSNP rs377113182, ClinGen allele CA7220946.

ClinVar aggregate classification (germline): Conflicting classifications of pathogenicity. Review status: criteria provided, conflicting classifications (1 of 4 stars). 2 submissions from 2 submitters: Uncertain significance (1); Likely benign (1). Last evaluated 2025-03-04.

Conditions:
Emery-Dreifuss muscular dystrophy 5, autosomal dominant (EDMD5). Also called: EMERY-DREIFUSS MUSCULAR DYSTROPHY 5. Identifiers: Orphanet 261, MedGen C2751805, MONDO:0013072, OMIM 612999.

Allele frequency attached by ClinVar (database versions not stated): ExAC 0.00002; gnomAD exomes 0.00004; ESP Exome Variant Server 0.00008; TOPMed 0.00016.
gnomAD v4.1: 46 of 1,613,990 alleles (0.0029%); highest among the groups gnomAD compares: Admixed American, 0.027%; no homozygotes.

Submissions (2):

Labcorp Genetics (formerly Invitae), Labcorp
Classification: Uncertain significance for Emery-Dreifuss muscular dystrophy 5, autosomal dominant. Last evaluated: 2025-03-04. Review status: criteria provided, single submitter. Criteria: Invitae Variant Classification Sherloc (09022015). Collection method: clinical testing. Allele origin: germline.
Comment: This sequence change replaces isoleucine, which is neutral and non-polar, with threonine, which is neutral and polar, at codon 2494 of the SYNE2 protein (p.Ile2494Thr). This variant is present in population databases (rs377113182, gnomAD 0.01%). This variant has not been reported in the literature in individuals affected with SYNE2-related conditions. ClinVar contains an entry for this variant (Variation ID: 1441564). An algorithm developed to predict the effect of missense changes on protein structure and function outputs the following: PolyPhen-2: "Benign". The threonine amino acid residue is found in multiple mammalian species, which suggests that this missense change does not adversely affect protein function. In summary, the available evidence is currently insufficient to determine the role of this variant in disease. Therefore, it has been classified as a Variant of Uncertain Significance.

Ambry Genetics
Classification: Likely benign. Last evaluated: 2021-10-06. Review status: criteria provided, single submitter. Criteria: Ambry Variant Classification Scheme 2023. Collection method: clinical testing. Allele origin: germline.